The following is an entry in ClinVar:

NM_018972.4(GDAP1):c.310+6del

Gene: GDAP1 (ganglioside induced differentiation associated protein 1; plus strand). Cytogenetic location: 8q21.11.
Variant type: Deletion.
Coding change: c.310+6del on transcript NM_018972.4 (MANE Select); 6 bases into the intron after coding-DNA position 310, one base deleted (G; older notation c.310+6delG).
Molecular consequence: intron variant.
Genome position (GRCh38, 1-based): chr8:74,351,472, G deleted. VCF-style (leftmost placement, unchanged base first): chr8-74351471-TG-T. GRCh37 (hg19) VCF-style: chr8-75263706-TG-T.
Other names: p.?; c.310+6del (NM_001362931.2, NM_001362930.2, NM_018972.2); c.-18+151del (NM_001362929.2); c.-18+894del (NM_001362932.2); c.106+6del (NM_001040875.4); c.310+6delG (NM_018972.4).
Identifiers: ClinVar variation 245606 (VCV000245606.66), dbSNP rs780828430, ClinGen allele CA4785067.

ClinVar aggregate classification (germline): Conflicting classifications of pathogenicity. Review status: criteria provided, conflicting classifications (1 of 4 stars). 10 submissions from 10 submitters: Uncertain significance (2); Benign (1); Likely benign (6). 1 of the submissions does not count toward it. Last evaluated 2026-08-01.

Conditions:
GDAP1-related disorder. Also called: GDAP1-related condition; GDAP1-related disorders.
Charcot-Marie-Tooth disease. Also called: Charcot-Marie-Tooth Hereditary Neuropathy; Charcot-Marie-Tooth Neuropathy. Identifiers: Orphanet 166, MedGen C0007959, MONDO:0015626.
Inborn genetic diseases. Identifiers: MedGen C0950123, MeSH D030342.
Charcot-Marie-Tooth disease type 4A. Also called: Charcot-Marie-Tooth disease, demyelinating, autosomal recessive, type 4a. Identifiers: Orphanet 99948, MedGen C1859198, MONDO:0008961, OMIM 214400.
Charcot-Marie-Tooth disease axonal type 2K (CMT2K). Also called: CHARCOT-MARIE-TOOTH DISEASE, AXONAL, AUTOSOMAL RECESSIVE, TYPE 2K; CHARCOT-MARIE-TOOTH NEUROPATHY, AXONAL, TYPE 2K; Charcot-Marie-Tooth disease type 2K. Identifiers: Orphanet 101097, Orphanet 99944, MedGen C1842983, MONDO:0011916, OMIM 607831.

Allele frequency attached by ClinVar (database versions not stated): TOPMed 0.00079; gnomAD exomes 0.00097 and 0.00108; gnomAD 0.00099 and 0.00109; ExAC 0.00100; ESP Exome Variant Server 0.00104.

Submissions (10):

CeGaT Center for Human Genetics Tuebingen
Classification: Likely benign. Last evaluated: 2026-08-01. Review status: criteria provided, single submitter. Criteria: CeGaT Center For Human Genetics Tuebingen Variant Classification Criteria Version 2. Collection method: clinical testing. Allele origin: germline. Affected: yes. Observed: 7 variant alleles.
Comment: GDAP1: BP4

Labcorp Genetics (formerly Invitae), Labcorp
Classification: Likely benign for Charcot-Marie-Tooth disease type 4A. Last evaluated: 2026-01-28. Review status: criteria provided, single submitter. Criteria: Invitae Variant Classification Sherloc (09022015). Collection method: clinical testing. Allele origin: germline.

Mayo Clinic Laboratories, Mayo Clinic
Classification: Likely benign. Last evaluated: 2025-05-15. Review status: criteria provided, single submitter. Criteria: ACMG Guidelines, 2015. Collection method: clinical testing. Allele origin: germline. Observed: 8 variant alleles.
Comment: BS1, BP4, BP7

Blueprint Genetics
Classification: Likely benign. Last evaluated: 2024-11-15. Review status: criteria provided, single submitter. Criteria: ACMG Guidelines, 2015. Collection method: clinical testing. Allele origin: germline.

Ambry Genetics
Classification: Uncertain significance for Inborn genetic diseases. Last evaluated: 2021-12-07. Review status: criteria provided, single submitter. Criteria: Ambry Variant Classification Scheme 2023. Collection method: clinical testing. Allele origin: germline.
Comment: The c.310+6delG intronic variant is located 6 nucleotides after coding exon 2 of the GDAP1 gene. This variant results from a deletion of one nucleotide at position c.310+6. This nucleotide position is well conserved in available vertebrate species. In silico splice site analysis predicts that this alteration will not have any significant effect on splicing. Based on the supporting evidence, this variant is unlikely to be causative of axonal Charcot-Marie-Tooth disease, type 2K (CMT2K); however, its contribution to the development of the autosomal recessive spectrum of diseases is uncertain.

Laboratory of Functional Genomics, Research Centre for Medical Genetics
Classification: Likely benign for Charcot-Marie-Tooth disease axonal type 2K. Last evaluated: 2021-08-12. Review status: criteria provided, single submitter. Criteria: ACMG Guidelines, 2015. Collection method: clinical testing, in vitro. Allele origin: paternal, not applicable. Inheritance: Autosomal recessive inheritance. Affected: yes. Observed: 1 variant allele, 1 compound heterozygote.
Comment: Splicing variant c.310+6delG in GDAP1 gene could be classified as likely benign variant according to AÐ¡MG criteria (PM2, BP4, BS3, PM3).

GeneDx
Classification: Likely benign. Last evaluated: 2020-06-16. Review status: criteria provided, single submitter. Criteria: GeneDx Variant Classification Process June 2021. Collection method: clinical testing. Allele origin: germline. Affected: yes.

Baylor Genetics
Classification: Uncertain significance for Charcot-Marie-Tooth disease axonal type 2K. Last evaluated: 2018-11-03. Review status: criteria provided, single submitter. Criteria: ACMG Guidelines, 2015. Collection method: clinical testing. Allele origin: unknown. Affected: yes.
Comment: This variant was determined to be of uncertain significance according to ACMG Guidelines, 2015 [PMID:25741868].

Molecular Genetics Laboratory, London Health Sciences Centre
Classification: Benign for Charcot-Marie-Tooth disease. Review status: criteria provided, single submitter. Criteria: ACMG Guidelines, 2015. Collection method: clinical testing. Allele origin: germline. Affected: yes.

PreventionGenetics, part of Exact Sciences
Classification: Likely benign for GDAP1-related condition. Last evaluated: 2019-07-01. Review status: no assertion criteria provided. Collection method: clinical testing. Allele origin: germline. Not counted in ClinVar's aggregate classification.
Comment: This variant is classified as likely benign based on ACMG/AMP sequence variant interpretation guidelines (Richards et al. 2015 PMID: 25741868, with internal and published modifications).